The following is an entry in ClinVar:

ClinVar aggregate classification (germline): Likely benign (0 of 4 stars; one submission).

Conditions:
DNAH17-related disorder. Also called: DNAH17-related condition.

Allele frequency attached by ClinVar (database versions not stated): TOPMed 0.00005; gnomAD 0.00011; gnomAD exomes 0.00028; 1000 Genomes Project 30x 0.00047; 1000 Genomes Project 0.00060; ExAC 0.00070.
gnomAD v4.1: 431 of 1,613,150 alleles (0.027%); highest among the groups gnomAD compares: South Asian, 0.43%; 5 homozygotes.

Submission:

PreventionGenetics, part of Exact Sciences
Classification: Likely benign for DNAH17-related condition. Last evaluated: 2019-08-15. Review status: no assertion criteria provided. Collection method: clinical testing. Allele origin: germline.
Comment: This variant is classified as likely benign based on ACMG/AMP sequence variant interpretation guidelines (Richards et al. 2015 PMID: 25741868, with internal and published modifications).

NM_173628.4(DNAH17):c.1618G>A (p.Glu540Lys)

Gene: DNAH17 (dynein axonemal heavy chain 17; minus strand). Cytogenetic location: 17q25.3.
Variant type: single nucleotide variant.
Coding change: c.1618G>A on transcript NM_173628.4 (MANE Select); coding-DNA position 1618, G replaced by A.
Protein change: p.Glu540Lys; replaces glutamic acid 540 with lysine.
Molecular consequence: missense variant.
Genome position (GRCh38, 1-based): chr17:78,561,932, C>T on the plus strand (G>A on the coding strand, the complement: DNAH17 is on the minus strand). VCF-style: chr17-78561932-C-T. GRCh37 (hg19) VCF-style: chr17-76558014-C-T.
Other names: short protein forms E540K.
Identifiers: ClinVar variation 3053689 (VCV003053689.2), dbSNP rs370432113, ClinGen allele CA8805074.